The following is an entry in ClinVar:

NM_024844.5(NUP85):c.770A>G (p.Lys257Arg)

Gene: NUP85 (nucleoporin 85; plus strand). Cytogenetic location: 17q25.1.
Variant type: single nucleotide variant.
Coding change: c.770A>G on transcript NM_024844.5 (MANE Select); coding-DNA position 770, A replaced by G.
Protein change: p.Lys257Arg; replaces lysine 257 with arginine.
Molecular consequence: missense variant.
Genome position (GRCh38, 1-based): chr17:75,225,379, A>G. VCF-style: chr17-75225379-A-G. GRCh37 (hg19) VCF-style: chr17-73221474-A-G.
Other names: c.632A>G, p.Lys211Arg (NM_001303276.2); c.635A>G, p.Lys212Arg (NM_001330472.2); short protein forms K211R, K212R, K257R.
Identifiers: ClinVar variation 2420971 (VCV002420971.6), dbSNP rs757177446, ClinGen allele CA8758605.

ClinVar aggregate classification (germline): Uncertain significance (1 of 4 stars; one submission).

Allele frequency attached by ClinVar (database versions not stated): gnomAD exomes below 0.00001; ExAC 0.00001; gnomAD 0.00005; TOPMed 0.00007.

Submission:

Labcorp Genetics (formerly Invitae), Labcorp
Classification: Uncertain significance. Last evaluated: 2025-06-12. Review status: criteria provided, single submitter. Criteria: Invitae Variant Classification Sherloc (09022015). Collection method: clinical testing. Allele origin: germline.
Comment: This sequence change replaces lysine, which is basic and polar, with arginine, which is basic and polar, at codon 257 of the NUP85 protein (p.Lys257Arg). This variant is present in population databases (rs757177446, gnomAD 0.01%). This variant has not been reported in the literature in individuals affected with NUP85-related conditions. ClinVar contains an entry for this variant (Variation ID: 2420971). An algorithm developed to predict the effect of missense changes on protein structure and function outputs the following: PolyPhen-2: "Benign". The arginine amino acid residue is found in multiple mammalian species, which suggests that this missense change does not adversely affect protein function. In summary, the available evidence is currently insufficient to determine the role of this variant in disease. Therefore, it has been classified as a Variant of Uncertain Significance.